The following is an entry in ClinVar:

NM_014956.5(CEP164):c.3598_3599del (p.Trp1201fs)

Gene: CEP164 (centrosomal protein 164; plus strand). Cytogenetic location: 11q23.3.
Variant type: Microsatellite.
Coding change: c.3598_3599del on transcript NM_014956.5 (MANE Select); coding-DNA positions 3598 to 3599, 2 bases deleted (CT; older notation c.3598_3599delCT).
Protein change: p.Trp1201fs; shifts the reading frame from tryptophan 1201.
Molecular consequence: frameshift variant.
Genome position (GRCh38, 1-based): chr11:117,408,021-117,408,022, CT deleted; deleting any 2 consecutive bases within chr11:117,408,017-117,408,022 gives the same sequence; the c. name uses the placement nearest the transcript's 3' end. VCF-style (leftmost placement, unchanged base first): chr11-117408016-CCT-C. GRCh37 (hg19) VCF-style: chr11-117278732-CCT-C.
Other names: c.3607_3608del, p.Trp1204fs (NM_001271933.2); short protein forms W1201fs, W1204fs.
Identifiers: ClinVar variation 2956154 (VCV002956154.3), dbSNP rs2542636119, ClinGen allele CA2740093219.

ClinVar aggregate classification (germline): Pathogenic (1 of 4 stars; one submission).

Conditions:
Nephronophthisis 15 (NPHP15). Identifiers: Orphanet 3156, MedGen C3541853, MONDO:0013917, OMIM 614845.

Submission:

Labcorp Genetics (formerly Invitae), Labcorp
Classification: Pathogenic for Nephronophthisis 15. Last evaluated: 2023-02-11. Review status: criteria provided, single submitter. Criteria: Invitae Variant Classification Sherloc (09022015). Collection method: clinical testing. Allele origin: germline.
Comment: For these reasons, this variant has been classified as Pathogenic. This variant has not been reported in the literature in individuals affected with CEP164-related conditions. This variant is not present in population databases (gnomAD no frequency). This sequence change creates a premature translational stop signal (p.Trp1201Glyfs*6) in the CEP164 gene. It is expected to result in an absent or disrupted protein product. Loss-of-function variants in CEP164 are known to be pathogenic (PMID: 22863007, 28125082, 32367404, 34132027, 34499853).

Literature cited by the submitters: PubMed 22863007; PubMed 28125082; PubMed 32367404; PubMed 34132027; PubMed 34499853.